The following is an entry in ClinVar:

NM_032043.3(BRIP1):c.1651G>C (p.Ala551Pro)

Gene: BRIP1 (BRCA1 interacting DNA helicase 1; minus strand). Cytogenetic location: 17q23.2.
Variant type: single nucleotide variant.
Coding change: c.1651G>C on transcript NM_032043.3 (MANE Select); coding-DNA position 1651, G replaced by C.
Protein change: p.Ala551Pro; replaces alanine 551 with proline.
Molecular consequence: missense variant.
Genome position (GRCh38, 1-based): chr17:61,780,983, C>G on the plus strand (G>C on the coding strand, the complement: BRIP1 is on the minus strand). VCF-style: chr17-61780983-C-G. GRCh37 (hg19) VCF-style: chr17-59858344-C-G.
Other names: short protein forms A551P.
Identifiers: ClinVar variation 849321 (VCV000849321.8), dbSNP rs766302517, ClinGen allele CA8690692.
Genomic context (GRCh38, chr17:61,780,983, plus strand): 5'-ACAACCCATTTTTGTCTGAAATATCAATCTGATTTGTCCAGGAGTAAGTCTGTTGAATCG[C>G]AATTTTATAATCATCTGCAAATCTAGATGCAAAGAAAGTGCTAATTAAGTGGCAAAACTT-3'
Protein context (NP_114432.2, residues 541-561): NSRFADDYKI[Ala551Pro]IQQTYSWTNQ

ClinVar aggregate classification (germline): Uncertain significance (1 of 4 stars; one submission).

Conditions:
Familial cancer of breast. Also called: hereditary breast carcinoma; BREAST CANCER, FAMILIAL; Hereditary breast cancer. Identifiers: Orphanet 227535, MedGen C0346153, MONDO:0016419, OMIM 114480. Disease mechanism: loss of function.
Fanconi anemia complementation group J. Also called: BRIP1-Related Fanconi Anemia. Identifiers: Orphanet 84, MedGen C1836860, MONDO:0012187, OMIM 609054.

Allele frequency attached by ClinVar (database versions not stated): gnomAD exomes below 0.00001; ExAC 0.00001.
gnomAD v4.1: 3 of 1,613,880 alleles (0.00019%); highest among the groups gnomAD compares: South Asian, 0.0033%; no homozygotes.

Submission:

Labcorp Genetics (formerly Invitae), Labcorp
Classification: Uncertain significance for Familial cancer of breast; Fanconi anemia complementation group J. Last evaluated: 2021-10-06. Review status: criteria provided, single submitter. Criteria: Invitae Variant Classification Sherloc (09022015). Collection method: clinical testing. Allele origin: germline.
Comment: This sequence change replaces alanine with proline at codon 551 of the BRIP1 protein (p.Ala551Pro). The alanine residue is highly conserved and there is a small physicochemical difference between alanine and proline. In summary, the available evidence is currently insufficient to determine the role of this variant in disease. Therefore, it has been classified as a Variant of Uncertain Significance. Algorithms developed to predict the effect of missense changes on protein structure and function are either unavailable or do not agree on the potential impact of this missense change (SIFT: "Tolerated"; PolyPhen-2: "Probably Damaging"; Align-GVGD: "Class C0"). This variant has not been reported in the literature in individuals affected with BRIP1-related conditions. This variant is present in population databases (rs766302517, ExAC 0.006%).